The following is an entry in ClinVar:

ClinVar aggregate classification (germline): Likely benign (0 of 4 stars; one submission).

Conditions:
RPL18-related disorder. Also called: RPL18-related condition.

Submission:

PreventionGenetics, part of Exact Sciences
Classification: Likely benign for RPL18-related condition. Last evaluated: 2023-12-15. Review status: no assertion criteria provided. Collection method: clinical testing. Allele origin: germline.
Comment: This variant is classified as likely benign based on ACMG/AMP sequence variant interpretation guidelines (Richards et al. 2015 PMID: 25741868, with internal and published modifications).

NM_000979.4(RPL18):c.4-7C>T

Gene: RPL18 (ribosomal protein L18; minus strand). Cytogenetic location: 19q13.33.
Variant type: single nucleotide variant.
Coding change: c.4-7C>T on transcript NM_000979.4 (MANE Select); 7 bases into the intron before coding-DNA position 4, C replaced by T.
Molecular consequence: intron variant.
Genome position (GRCh38, 1-based): chr19:48,617,884, G>A on the plus strand (C>T on the coding strand, the complement: RPL18 is on the minus strand). VCF-style: chr19-48617884-G-A. GRCh37 (hg19) VCF-style: chr19-49121141-G-A.
Other names: c.4-461C>T (NM_001270490.2).
Identifiers: ClinVar variation 3030413 (VCV003030413.2), dbSNP rs2513857906, ClinGen allele CA2576840065.
Genomic context (GRCh38, chr19:48,617,884, plus strand): 5'-CTTGGGCTCCTTGCGCCGAACCTTTCGGTCCTTGTTATGGCGGATGTCCACTCCCTGTGG[G>A]GGTGAAGAGGCAACCATGGACCCAATTACCCCCAACCATAGCCAATTATTACTTATTTCT-3'